The following is an entry in ClinVar:

ClinVar aggregate classification (germline): Pathogenic. Review status: criteria provided, multiple submitters, no conflicts (2 of 4 stars). 11 submissions from 11 submitters: Pathogenic (10). 1 of the submissions does not count toward it. Last evaluated 2025-12-10.

Conditions:
RAD51D-related cancer predisposition. Identifiers: MedGen CN377763, MONDO:0700274.
Hereditary cancer-predisposing syndrome. Also called: Tumor predisposition; Hereditary Cancer Syndrome; Hereditary neoplastic syndrome; Neoplastic Syndromes, Hereditary. Identifiers: Orphanet 140162, MedGen C0027672, MeSH D009386, MONDO:0015356.
Breast-ovarian cancer, familial, susceptibility to, 4. Identifiers: Orphanet 145, MedGen C3280345, MONDO:0013669, OMIM 614291.

Submissions (11):

Labcorp Genetics (formerly Invitae), Labcorp
Classification: Pathogenic for Breast-ovarian cancer, familial, susceptibility to, 4. Last evaluated: 2025-12-10. Review status: criteria provided, single submitter. Criteria: Invitae Variant Classification Sherloc (09022015). Collection method: clinical testing. Allele origin: germline.
Comment: This sequence change creates a premature translational stop signal (p.Gly110Argfs*2) in the RAD51D gene. It is expected to result in an absent or disrupted protein product. Loss-of-function variants in RAD51D are known to be pathogenic (PMID: 21822267). This variant is present in population databases (rs730882119, gnomAD 0.007%). This premature translational stop signal has been observed in individual(s) with prostate cancer and breast and ovarian cancer (PMID: 27153395, 27433846). ClinVar contains an entry for this variant (Variation ID: 182849). For these reasons, this variant has been classified as Pathogenic.

Ambry Genetics
Classification: Pathogenic for Hereditary cancer-predisposing syndrome. Last evaluated: 2025-03-11. Review status: criteria provided, single submitter. Criteria: Ambry Variant Classification Scheme 2023. Collection method: clinical testing. Allele origin: germline.
Comment: The c.326dupC pathogenic mutation, located in coding exon 4 of the RAD51D gene, results from a duplication of C at nucleotide position 326, causing a translational frameshift with a predicted alternate stop codon (p.G110Rfs*2). This alteration is expected to result in loss of function by premature protein truncation or nonsense-mediated mRNA decay. As such, this alteration is interpreted as a disease-causing mutation.

Institute for Genomic Medicine (IGM) Clinical Laboratory, Nationwide Children's Hospital
Classification: Pathogenic for RAD51D-related cancer predisposition. Last evaluated: 2024-11-27. Review status: criteria provided, single submitter. Criteria: ACMG Guidelines, 2015. Collection method: clinical testing. Allele origin: germline.
Comment: This variant is predicted to result in loss of function through nonsense-mediated decay of the encoded transcript or premature truncation of the encoded protein in a gene in which loss of function is a known mechanism of disease (ACMG/AMP: PVS1; PMIDs:21822267, 32359370). This variant has been reported at an elevated frequency in affected individuals/in multiple affected individuals in the literature (ACMG/AMP: PS4_Supporting; PMIDs:26681312, 27433846). This variant is absent from or present at an exceedingly low frequency in gnomAD, a large-scale control population database (ACMG/AMP: PM2).

GeneDx
Classification: Pathogenic. Last evaluated: 2024-01-10. Review status: criteria provided, single submitter. Criteria: GeneDx Variant Classification Process June 2021. Collection method: clinical testing. Allele origin: germline. Affected: yes.
Comment: Frameshift variant predicted to result in protein truncation or nonsense mediated decay in a gene for which loss of function is a known mechanism of disease; Not observed at significant frequency in large population cohorts (gnomAD); This variant is associated with the following publications: (PMID: 26681312, 27433846, 27153395)

Baylor Genetics
Classification: Pathogenic for Breast-ovarian cancer, familial, susceptibility to, 4. Last evaluated: 2023-09-06. Review status: criteria provided, single submitter. Criteria: ACMG Guidelines, 2015. Collection method: clinical testing. Allele origin: unknown.

Quest Diagnostics Nichols Institute San Juan Capistrano
Classification: Pathogenic. Last evaluated: 2023-04-19. Review status: criteria provided, single submitter. Criteria: Quest Diagnostics criteria. Collection method: clinical testing. Allele origin: unknown.
Comment: This frameshift variant alters the translational reading frame of the RAD51D mRNA and causes the premature termination of RAD51D protein synthesis. The frequency of this variant in the general population, 0.000008 (2/251280 chromosomes), is consistent with pathogenicity. In the published literature, the variant has been reported in individuals with breast and/or ovarian cancer (PMID: 27153395 (2016)), prostate cancer (PMID: 27433846 (2016)), and colorectal cancer (PMID: 27433846 (2015)). Based on the available information, this variant is classified as pathogenic.

Myriad Genetics, Inc.
Classification: Pathogenic for Breast-ovarian cancer, familial, susceptibility to, 4. Last evaluated: 2023-04-06. Review status: criteria provided, single submitter. Criteria: Myriad Autosomal Dominant, Autosomal Recessive and X-Linked Classification Criteria (2023). Collection method: clinical testing. Allele origin: unknown.
Comment: This variant is considered pathogenic. This variant creates a frameshift predicted to result in premature protein truncation.

Color Diagnostics, LLC DBA Color Health
Classification: Pathogenic for Hereditary cancer-predisposing syndrome. Last evaluated: 2021-04-08. Review status: criteria provided, single submitter. Criteria: ACMG Guidelines, 2015. Collection method: clinical testing. Allele origin: germline.
Comment: This variant inserts 1 nucleotide in exon 4 of the RAD51D gene, creating a frameshift and premature translation stop signal. This variant is expected to result in an absent or non-functional protein product. This variant has been reported in individuals affected with colorectal cancer or prostate cancer (PMID: 26681312, 27433846). This variant has been identified in 2/251280 chromosomes in the general population by the Genome Aggregation Database (gnomAD). Loss of RAD51D function is a known mechanism of disease. Based on the available evidence, this variant is classified as Pathogenic.

Revvity Omics, Revvity
Classification: Pathogenic. Last evaluated: 2019-08-19. Review status: criteria provided, single submitter. Criteria: ACMG Guidelines, 2015. Collection method: clinical testing. Allele origin: germline.

Eurofins Ntd Llc (ga)
Classification: Pathogenic. Last evaluated: 2015-05-07. Review status: criteria provided, single submitter. Criteria: EGL Classification Definitions. Collection method: clinical testing. Allele origin: germline. Observed: 1 variant allele, 1 heterozygote.

Counsyl
Classification: Pathogenic for Breast-ovarian cancer, familial, susceptibility to, 4. Last evaluated: 2017-05-19. Review status: no assertion criteria provided. Collection method: clinical testing. Allele origin: unknown. Not counted in ClinVar's aggregate classification.

Literature cited by the submitters: PubMed 21822267 (cited by Labcorp Genetics (formerly Invitae), Labcorp and Institute for Genomic Medicine (IGM) Clinical Laboratory, Nationwide Children's Hospital); PubMed 27153395 (cited by 3 submitters); PubMed 27433846 (cited by 4 submitters); PubMed 32359370 (cited by Institute for Genomic Medicine (IGM) Clinical Laboratory, Nationwide Children's Hospital); PubMed 26681312 (cited by 3 submitters).

NM_002878.4(RAD51D):c.326dup (p.Gly110fs)

Genes: RAD51L3-RFFL (RAD51L3-RFFL readthrough; minus strand), RAD51D (RAD51 paralog D; minus strand). Cytogenetic location: 17q12.
Variant type: Duplication.
Coding change: c.326dup on transcript NM_002878.4 (MANE Select); coding-DNA position 326, one base duplicated (C; older notation c.326dupC).
Protein change: p.Gly110fs; shifts the reading frame from glycine 110.
Molecular consequence: frameshift variant. On other transcripts: non-coding transcript variant (2), intron variant (1).
Genome position (GRCh38, 1-based): chr17:35,107,385, G duplicated on the plus strand (C on the coding strand, the reverse complement: RAD51D is on the minus strand); the first of 3 consecutive G bases (chr17:35,107,385-35,107,387); duplicating any one gives the same sequence. VCF-style (leftmost placement, unchanged base first): chr17-35107384-T-TG. GRCh37 (hg19) VCF-style: chr17-33434403-T-TG.
Other names: c.145-904dup (NM_133629.3); c.386dup, p.Gly130fs (NM_001142571.2); c.326dupC (NM_002878.3); short protein forms G130fs, G110fs.
Identifiers: ClinVar variation 182849 (VCV000182849.32), dbSNP rs730882119, ClinGen allele CA202749.